The following is an entry in ClinVar:

NM_016097.5(IER3IP1):c.*58T>C

Gene: IER3IP1 (immediate early response 3 interacting protein 1; minus strand). Cytogenetic location: 18q21.1.
Variant type: single nucleotide variant.
Coding change: c.*58T>C on transcript NM_016097.5 (MANE Select); 58 bases downstream of the stop codon, T replaced by C.
Molecular consequence: 3 prime UTR variant.
Genome position (GRCh38, 1-based): chr18:47,156,119, A>G on the plus strand (T>C on the coding strand, the complement: IER3IP1 is on the minus strand). VCF-style: chr18-47156119-A-G. GRCh37 (hg19) VCF-style: chr18-44682490-A-G.
Identifiers: ClinVar variation 433137 (VCV000433137.6), dbSNP rs150586939, ClinGen allele CA300177286.
Genomic context (GRCh38, chr18:47,156,119, plus strand): 5'-TTTACATTTTTGACAAGTGCAAGGTCAGCCAGCTAAGATATAAATATTCCAATAATGACC[A>G]AAGTAATAACTTCTACTGGCATGTCCTCTTCTGAGTCTCCATTTTCTCCACTGATATTCA-3'

ClinVar aggregate classification (germline): Likely benign. Review status: criteria provided, single submitter (1 of 4 stars). 4 submissions from 4 submitters: Likely benign (1). 3 of the submissions do not count toward it. Last evaluated 2025-02-16.

Conditions:
IER3IP1-related disorder. Also called: IER3IP1-related condition.
Epilepsy. Also called: Seizure disorder. Identifiers: MedGen C0014544, MeSH D004827, MONDO:0005027.
Self-limited epilepsy with centrotemporal spikes. Also called: Rolandic epilepsy; Childhood epilepsy with centrotemporal spikes. Identifiers: Orphanet 1945, MedGen C0376532, MONDO:0007295.

Allele frequency attached by ClinVar (database versions not stated): ESP Exome Variant Server 0.00044; gnomAD 0.00406 and 0.00524; gnomAD exomes 0.00464; TOPMed 0.00603; 1000 Genomes Project 30x 0.01858; 1000 Genomes Project 0.01957.
gnomAD v4.1: 5,145 of 1,055,584 alleles (0.49%); highest among the groups gnomAD compares: East Asian, 8.8%; 213 homozygotes.

Submissions (4):

Laboratory of Genetics, Children's Clinical University Hospital Latvia
Classification: Likely benign. Last evaluated: 2025-02-16. Review status: criteria provided, single submitter. Criteria: ACMG Guidelines, 2015. Collection method: clinical testing. Allele origin: germline. Affected: yes.

PreventionGenetics, part of Exact Sciences
Classification: Benign for IER3IP1-related condition. Last evaluated: 2021-05-24. Review status: no assertion criteria provided. Collection method: clinical testing. Allele origin: germline. Not counted in ClinVar's aggregate classification.
Comment: This variant is classified as benign based on ACMG/AMP sequence variant interpretation guidelines (Richards et al. 2015 PMID: 25741868, with internal and published modifications).

Reproductive Health Research and Development, BGI Genomics
Classification: Likely benign for Epilepsy. Last evaluated: 2020-01-06. Review status: no assertion criteria provided. Collection method: curation. Allele origin: germline. Not counted in ClinVar's aggregate classification.
Comment: NM_016097.4:c.*58T>C in the IER3IP1 gene has an allele frequency of 0.008 in the gnomAD database, including 12 homozygous occurrences. The allele frequency is 0.1321 in the Asian subpopulation (total allele is less than 2000). Benign computational verdict because benign prediction from DANN. Taken together, we interprete this variant as Benign/Likely benign variant. ACMG/AMP criteria applied: BS2; BP4.

Bioinformatics Core, Luxembourg Center for Systems Biomedicine
Classification: Pathogenic for Self-limited epilepsy with centrotemporal spikes. Last evaluated: 2017-01-01. Review status: flagged submission. Collection method: case-control. Allele origin: germline. Affected: yes. Study: EUROEPINOMICS COGIE. Not counted in ClinVar's aggregate classification.
Comment: CAADphred>15
ClinVar note: Reason: Claim with insufficient supporting evidence

Literature cited by the submitters: PubMed 29358611 (cited by Bioinformatics Core, Luxembourg Center for Systems Biomedicine).